The following is an entry in ClinVar:

NM_000179.3(MSH6):c.3975G>C (p.Lys1325Asn)

Gene: MSH6 (mutS homolog 6; plus strand). Cytogenetic location: 2p16.3.
Variant type: single nucleotide variant.
Coding change: c.3975G>C on transcript NM_000179.3 (MANE Select); coding-DNA position 3975, G replaced by C.
Protein change: p.Lys1325Asn; replaces lysine 1325 with asparagine.
Molecular consequence: missense variant.
Genome position (GRCh38, 1-based): chr2:47,806,625, G>C. VCF-style: chr2-47806625-G-C. GRCh37 (hg19) VCF-style: chr2-48033764-G-C.
Other names: c.3585G>C, p.Lys1195Asn (NM_001281492.2); c.3069G>C, p.Lys1023Asn (NM_001281493.2, NM_001281494.2); short protein forms K1195N, K1325N, K1023N.
Identifiers: ClinVar variation 923715 (VCV000923715.6), dbSNP rs1670146687, ClinGen allele CA346761568.

ClinVar aggregate classification (germline): Uncertain significance. Review status: criteria provided, multiple submitters, no conflicts (2 of 4 stars). 3 submissions from 3 submitters: Uncertain significance (3). Last evaluated 2025-10-26.

Conditions:
Hereditary cancer-predisposing syndrome. Also called: Neoplastic Syndromes, Hereditary; Tumor predisposition; Hereditary Cancer Syndrome; Hereditary neoplastic syndrome. Identifiers: Orphanet 140162, MedGen C0027672, MeSH D009386, MONDO:0015356.
Hereditary nonpolyposis colorectal neoplasms. Identifiers: MedGen C0009405, MeSH D003123.
Lynch syndrome. Identifiers: Orphanet 144, MedGen C4552100, MONDO:0005835. Disease mechanism: loss of function.

Allele frequency attached by ClinVar (database versions not stated): gnomAD exomes below 0.00001.
gnomAD v4.1: 1 of 1,611,602 alleles (0.000062%); highest among the groups gnomAD compares: African/African-American, 0.0013%; no homozygotes.

Submissions (3):

Labcorp Genetics (formerly Invitae), Labcorp
Classification: Uncertain significance for Hereditary nonpolyposis colorectal neoplasms. Last evaluated: 2025-10-26. Review status: criteria provided, single submitter. Criteria: Invitae Variant Classification Sherloc (09022015). Collection method: clinical testing. Allele origin: germline.
Comment: This sequence change replaces lysine, which is basic and polar, with asparagine, which is neutral and polar, at codon 1325 of the MSH6 protein (p.Lys1325Asn). This variant is not present in population databases (gnomAD no frequency). This variant has not been reported in the literature in individuals affected with MSH6-related conditions. ClinVar contains an entry for this variant (Variation ID: 923715). Invitae Evidence Modeling of protein sequence and biophysical properties (such as structural, functional, and spatial information, amino acid conservation, physicochemical variation, residue mobility, and thermodynamic stability) indicates that this missense variant is not expected to disrupt MSH6 protein function with a negative predictive value of 95%. In summary, the available evidence is currently insufficient to determine the role of this variant in disease. Therefore, it has been classified as a Variant of Uncertain Significance.

Color Diagnostics, LLC DBA Color Health
Classification: Uncertain significance for Hereditary cancer-predisposing syndrome. Last evaluated: 2024-03-06. Review status: criteria provided, single submitter. Criteria: ACMG Guidelines, 2015. Collection method: clinical testing. Allele origin: germline.
Comment: This missense variant replaces lysine with asparagine at codon 1325 of the MSH6 protein. Computational prediction suggests that this variant may not impact protein structure and function (internally defined REVEL score threshold <= 0.5, PMID: 27666373). To our knowledge, functional studies have not been reported for this variant. This variant has not been reported in individuals affected with MSH6-related disorders in the literature. This variant has not been identified in the general population by the Genome Aggregation Database (gnomAD). The available evidence is insufficient to determine the role of this variant in disease conclusively. Therefore, this variant is classified as a Variant of Uncertain Significance.

All of Us Research Program, National Institutes of Health
Classification: Uncertain significance for Lynch syndrome. Last evaluated: 2023-06-26. Review status: criteria provided, single submitter. Criteria: ACMG Guidelines, 2015. Collection method: clinical testing. Allele origin: germline. Inheritance: Autosomal dominant inheritance. Observed: 1 variant allele, 1 heterozygote.
Comment: This missense variant replaces lysine with asparagine at codon 1325 of the MSH6 protein. Computational prediction suggests that this variant may not impact protein structure and function (internally defined REVEL score threshold <= 0.5, PMID: 27666373). To our knowledge, functional studies have not been reported for this variant. This variant has not been reported in individuals affected with MSH6-related disorders in the literature. This variant has not been identified in the general population by the Genome Aggregation Database (gnomAD). The available evidence is insufficient to determine the role of this variant in disease conclusively. Therefore, this variant is classified as a Variant of Uncertain Significance.

This study involves interpretation of variants in research participants for the purpose of population health screening. Participant phenotype was not available at the time of variant classification. Additional details can be found in publication PMID: 35346344, PMCID: PMC8962531